The following is an entry in ClinVar:

ClinVar aggregate classification (germline): Uncertain significance (1 of 4 stars; one submission).

Submission:

Labcorp Genetics (formerly Invitae), Labcorp
Classification: Uncertain significance. Last evaluated: 2024-04-16. Review status: criteria provided, single submitter. Criteria: Invitae Variant Classification Sherloc (09022015). Collection method: clinical testing. Allele origin: germline.
Comment: This sequence change replaces arginine, which is basic and polar, with methionine, which is neutral and non-polar, at codon 407 of the CSF2RB protein (p.Arg407Met). This variant is not present in population databases (gnomAD no frequency). This variant has not been reported in the literature in individuals affected with CSF2RB-related conditions. Advanced modeling of protein sequence and biophysical properties (such as structural, functional, and spatial information, amino acid conservation, physicochemical variation, residue mobility, and thermodynamic stability) performed at Invitae indicates that this missense variant is expected to disrupt CSF2RB protein function with a positive predictive value of 80%. In summary, the available evidence is currently insufficient to determine the role of this variant in disease. Therefore, it has been classified as a Variant of Uncertain Significance.

NM_000395.3(CSF2RB):c.1220G>T (p.Arg407Met)

Gene: CSF2RB (colony stimulating factor 2 receptor subunit beta; plus strand). Cytogenetic location: 22q12.3.
Variant type: single nucleotide variant.
Coding change: c.1220G>T on transcript NM_000395.3 (MANE Select); coding-DNA position 1220, G replaced by T.
Protein change: p.Arg407Met; replaces arginine 407 with methionine.
Molecular consequence: missense variant.
Genome position (GRCh38, 1-based): chr22:36,933,899, G>T. VCF-style: chr22-36933899-G-T. GRCh37 (hg19) VCF-style: chr22-37329941-G-T.
Other names: c.1238G>T, p.Arg413Met (NM_001410827.1); short protein forms R407M, R413M.
Identifiers: ClinVar variation 3665471 (VCV003665471.2).
Genomic context (GRCh38, chr22:36,933,899, plus strand): 5'-AGACCGAGACCCTCCAGAACGCCCACAGCATGGCCCTGCCAGCCCTGGAGCCCTCCACCA[G>T]GTACTGGGCCAGGGTGAGGGTCAGGACCTCCCGCACCGGCTACAACGGGATCTGGAGCGA-3'
Protein context (NP_000386.1, residues 397-417): MALPALEPST[Arg407Met]YWARVRVRTS